The following is an entry in ClinVar:

ClinVar aggregate classification (germline): Uncertain significance. Review status: criteria provided, multiple submitters, no conflicts (2 of 4 stars). 2 submissions from 2 submitters: Uncertain significance (2). Last evaluated 2024-10-23.

Conditions:
Neutral lipid storage myopathy (NLSDM). Also called: NEUTRAL LIPID STORAGE DISEASE WITHOUT ICHTHYOSIS. Identifiers: Orphanet 98908, MedGen C1853136, MONDO:0012545, OMIM 610717.

Allele frequency attached by ClinVar (database versions not stated): gnomAD 0.00006; 1000 Genomes Project 30x 0.00047; 1000 Genomes Project 0.00060.

Submissions (2):

Mayo Clinic Laboratories, Mayo Clinic
Classification: Uncertain significance. Last evaluated: 2024-10-23. Review status: criteria provided, single submitter. Criteria: ACMG Guidelines, 2015. Collection method: clinical testing. Allele origin: germline. Observed: 1 variant allele.
Comment: BS1, BP4

Labcorp Genetics (formerly Invitae), Labcorp
Classification: Uncertain significance for Neutral lipid storage myopathy. Last evaluated: 2022-08-13. Review status: criteria provided, single submitter. Criteria: Invitae Variant Classification Sherloc (09022015). Collection method: clinical testing. Allele origin: germline.
Comment: This sequence change replaces proline, which is neutral and non-polar, with glutamine, which is neutral and polar, at codon 409 of the PNPLA2 protein (p.Pro409Gln). This variant is present in population databases (rs549863849, gnomAD 0.1%). This missense change has been observed in individual(s) with clinical features of dyslipidemia (PMID: 32041611). Algorithms developed to predict the effect of missense changes on protein structure and function (SIFT, PolyPhen-2, Align-GVGD) all suggest that this variant is likely to be tolerated. In summary, the available evidence is currently insufficient to determine the role of this variant in disease. Therefore, it has been classified as a Variant of Uncertain Significance.

Literature cited by the submitters: PubMed 32041611 (cited by Mayo Clinic Laboratories, Mayo Clinic and Labcorp Genetics (formerly Invitae), Labcorp).

NM_020376.4(PNPLA2):c.1226C>A (p.Pro409Gln)

Gene: PNPLA2 (patatin like domain 2, triacylglycerol lipase; plus strand). Cytogenetic location: 11p15.5.
Variant type: single nucleotide variant.
Coding change: c.1226C>A on transcript NM_020376.4 (MANE Select); coding-DNA position 1226, C replaced by A.
Protein change: p.Pro409Gln; replaces proline 409 with glutamine.
Molecular consequence: missense variant.
Genome position (GRCh38, 1-based): chr11:824,573, C>A. VCF-style: chr11-824573-C-A. GRCh37 (hg19) VCF-style: chr11-824573-C-A.
Other names: p.Pro409Gln; short protein forms P409Q.
Identifiers: ClinVar variation 2082748 (VCV002082748.2), dbSNP rs549863849, ClinGen allele CA5791346.